The following is an entry in ClinVar:

ClinVar aggregate classification (germline): Pathogenic (1 of 4 stars; one submission).

Conditions:
Joubert syndrome. Also called: CEREBELLOPARENCHYMAL DISORDER IV; JOUBERT-BOLTSHAUSER SYNDROME; Familial aplasia of the vermis. Identifiers: Orphanet 475, MedGen C5979921, MONDO:0018772.

Submission:

Labcorp Genetics (formerly Invitae), Labcorp
Classification: Pathogenic for Joubert syndrome. Last evaluated: 2023-08-16. Review status: criteria provided, single submitter. Criteria: Invitae Variant Classification Sherloc (09022015). Collection method: clinical testing. Allele origin: germline.
Comment: For these reasons, this variant has been classified as Pathogenic. Algorithms developed to predict the effect of sequence changes on RNA splicing suggest that this variant may disrupt the consensus splice site. This variant has not been reported in the literature in individuals affected with AHI1-related conditions. This variant is not present in population databases (gnomAD no frequency). This sequence change creates a premature translational stop signal (p.Met729Argfs*11) in the AHI1 gene. It is expected to result in an absent or disrupted protein product. Loss-of-function variants in AHI1 are known to be pathogenic (PMID: 15322546, 16453322, 28442542, 29186038).

Literature cited by the submitters: PubMed 15322546; PubMed 16453322; PubMed 28442542; PubMed 29186038.

NM_001134831.2(AHI1):c.2186_2190del (p.Met729fs)

Gene: AHI1 (Abelson helper integration site 1; minus strand). Cytogenetic location: 6q23.3.
Variant type: Microsatellite.
Coding change: c.2186_2190del on transcript NM_001134831.2 (MANE Select); coding-DNA positions 2186 to 2190, 5 bases deleted (TGAGA; older notation c.2186_2190delTGAGA).
Protein change: p.Met729fs; shifts the reading frame from methionine 729.
Molecular consequence: frameshift variant.
Genome position (GRCh38, 1-based): chr6:135,433,103-135,433,107, TCTCA deleted on the plus strand (TGAGA on the coding strand, the reverse complement: AHI1 is on the minus strand); deleting any 5 consecutive bases within chr6:135,433,103-135,433,112 gives the same sequence; the c. name uses the placement nearest the transcript's 3' end. VCF-style (leftmost placement, unchanged base first): chr6-135433102-CTCTCA-C. GRCh37 (hg19) VCF-style: chr6-135754240-CTCTCA-C.
Other names: c.2186_2190del, p.Met729fs (NM_001134830.2, NM_001134832.2, NM_001350503.2 and 2 more transcripts); short protein forms M729fs.
Identifiers: ClinVar variation 2739275 (VCV002739275.3), dbSNP rs1736050138, ClinGen allele CA1094814117.
Genomic context (GRCh38, chr6:135,433,102, plus strand): 5'-AAAGTGAGTTGATAAAACTTTTGTGAACATCAAACTGTCGGACCAATATGGCAGAATCTT[CTCTCA>C]TCTCAACTTTCCATATCCGTATCATGGAATCATAGCATCCTGTAACTACTAGCTCTCTTA-3'